The following is an entry in ClinVar:

ClinVar aggregate classification (germline): Pathogenic. Review status: reviewed by expert panel (3 of 4 stars). 2 submissions from 2 submitters: Pathogenic (1). 1 of the submissions does not count toward it. Last evaluated 2020-09-06.

Conditions:
Glanzmann thrombasthenia. Also called: BLEEDING DISORDER, PLATELET-TYPE, 2; THROMBASTHENIA OF GLANZMANN AND NAEGELI; PLATELET GLYCOPROTEIN IIb-IIIa DEFICIENCY; Glanzmann's thrombasthenia; Thrombasthenia. Identifiers: Orphanet 849, MedGen C0040015, MONDO:0100326.

Allele frequency attached by ClinVar (database versions not stated): gnomAD exomes below 0.00001; ExAC 0.00001; gnomAD 0.00001; 1000 Genomes Project 30x 0.00016; 1000 Genomes Project 0.00020.
gnomAD v4.1: 2 of 1,613,216 alleles (0.00012%); highest among the groups gnomAD compares: East Asian, 0.0045%; no homozygotes.

Submissions (2):

ClinGen Platelet Disorders Variant Curation Expert Panel, ClinGen
Classification: Pathogenic for Glanzmann thrombasthenia. Last evaluated: 2020-09-06. Review status: reviewed by expert panel. Criteria: ClinGen Platelet ACMG Specifications v2. Collection method: curation. Allele origin: germline. Inheritance: Autosomal recessive inheritance.
Comment: The nonsense variant c.2671C>T (p.Gln891Ter) has been reported in at least 3 homozygous and 2 compound heterozygous probands (PMID: 29675921), with a phenotype highly specific to Glanzmann thrombasthenia (GT) and is reported in gnomAD with a prevalence of 1/18226. This nonsense variant occurs in exon 26 out of 30 and is predicted to result in NMD. In summary, this variant meets criteria to be classified as Pathogenic for GT. GT Expert Panel specific codes applied include: PVS1, PM2_supporting, PM3, PP4_strong.

Labcorp Genetics (formerly Invitae), Labcorp
Classification: Pathogenic for Glanzmann thrombasthenia. Last evaluated: 2023-06-23. Review status: criteria provided, single submitter. Criteria: Invitae Variant Classification Sherloc (09022015). Collection method: clinical testing. Allele origin: germline. Not counted in ClinVar's aggregate classification.
Comment: For these reasons, this variant has been classified as Pathogenic. ClinVar contains an entry for this variant (Variation ID: 953054). This variant is also known as Q860X. This premature translational stop signal has been observed in individual(s) with autosomal recessive Glanzmann thrombasthenia (PMID: 19175981, 33928629). This variant is not present in population databases (gnomAD no frequency). This sequence change creates a premature translational stop signal (p.Gln891*) in the ITGA2B gene. It is expected to result in an absent or disrupted protein product. Loss-of-function variants in ITGA2B are known to be pathogenic (PMID: 21917754).

Literature cited by the submitters: PubMed 29675921 (cited by ClinGen Platelet Disorders Variant Curation Expert Panel, ClinGen); PubMed 19175981 (cited by Labcorp Genetics (formerly Invitae), Labcorp); PubMed 33928629 (cited by Labcorp Genetics (formerly Invitae), Labcorp); PubMed 21917754 (cited by Labcorp Genetics (formerly Invitae), Labcorp).

NM_000419.5(ITGA2B):c.2671C>T (p.Gln891Ter)

Gene: ITGA2B (integrin subunit alpha 2b; minus strand). Cytogenetic location: 17q21.31.
Variant type: single nucleotide variant.
Coding change: c.2671C>T on transcript NM_000419.5 (MANE Select); coding-DNA position 2671, C replaced by T.
Protein change: p.Gln891Ter; replaces glutamine 891 with a stop codon.
Molecular consequence: nonsense.
Genome position (GRCh38, 1-based): chr17:44,375,647, G>A on the plus strand (C>T on the coding strand, the complement: ITGA2B is on the minus strand). VCF-style: chr17-44375647-G-A. GRCh37 (hg19) VCF-style: chr17-42453015-G-A.
Other names: short protein forms Q891*.
Identifiers: ClinVar variation 953054 (VCV000953054.6), dbSNP rs200846140, ClinGen allele CA8602626.